The following is an entry in ClinVar:

NM_003114.5(SPAG1):c.878G>A (p.Arg293Gln)

Gene: SPAG1 (sperm associated antigen 1; plus strand). Cytogenetic location: 8q22.2.
Variant type: single nucleotide variant.
Coding change: c.878G>A on transcript NM_003114.5 (MANE Select); coding-DNA position 878, G replaced by A.
Protein change: p.Arg293Gln; replaces arginine 293 with glutamine.
Molecular consequence: missense variant.
Genome position (GRCh38, 1-based): chr8:100,191,435, G>A. VCF-style: chr8-100191435-G-A. GRCh37 (hg19) VCF-style: chr8-101203663-G-A.
Other names: c.878G>A, p.Arg293Gln (NM_001374321.1, NM_172218.3); short protein forms R293Q.
Identifiers: ClinVar variation 648359 (VCV000648359.8), dbSNP rs750321216, ClinGen allele CA4827389.

ClinVar aggregate classification (germline): Conflicting classifications of pathogenicity. Review status: criteria provided, conflicting classifications (1 of 4 stars). 2 submissions from 2 submitters: Uncertain significance (1); Likely benign (1). Last evaluated 2022-06-01.

Conditions:
Primary ciliary dyskinesia. Also called: Ciliary dyskinesia. Identifiers: Orphanet 244, MedGen C0008780, MONDO:0016575, HP:0012265.
Primary ciliary dyskinesia 28. Also called: CILIARY DYSKINESIA, PRIMARY, 28, WITH OR WITHOUT SITUS INVERSUS. Identifiers: Orphanet 244, MedGen C3809706, MONDO:0014216, OMIM 615505.

Allele frequency attached by ClinVar (database versions not stated): gnomAD below 0.00001 and 0.00001; gnomAD exomes 0.00002 and 0.00008; TOPMed 0.00004; ExAC 0.00006.
gnomAD v4.1: 34 of 1,613,802 alleles (0.0021%); highest among the groups gnomAD compares: East Asian, 0.025%; no homozygotes.

Submissions (2):

Ambry Genetics
Classification: Likely benign for Primary ciliary dyskinesia. Last evaluated: 2022-06-01. Review status: criteria provided, single submitter. Criteria: Ambry Variant Classification Scheme 2023. Collection method: clinical testing. Allele origin: germline.

Labcorp Genetics (formerly Invitae), Labcorp
Classification: Uncertain significance for Primary ciliary dyskinesia 28. Last evaluated: 2021-12-18. Review status: criteria provided, single submitter. Criteria: Invitae Variant Classification Sherloc (09022015). Collection method: clinical testing. Allele origin: germline.
Comment: This sequence change replaces arginine, which is basic and polar, with glutamine, which is neutral and polar, at codon 293 of the SPAG1 protein (p.Arg293Gln). This variant is present in population databases (rs750321216, gnomAD 0.05%). This variant has not been reported in the literature in individuals affected with SPAG1-related conditions. ClinVar contains an entry for this variant (Variation ID: 648359). Algorithms developed to predict the effect of missense changes on protein structure and function output the following: SIFT: "Tolerated"; PolyPhen-2: "Benign"; Align-GVGD: "Class C0". The glutamine amino acid residue is found in multiple mammalian species, which suggests that this missense change does not adversely affect protein function. In summary, the available evidence is currently insufficient to determine the role of this variant in disease. Therefore, it has been classified as a Variant of Uncertain Significance.